The following is an entry in ClinVar:

NM_006206.6(PDGFRA):c.504A>G (p.Val168=)

Gene: PDGFRA (platelet derived growth factor receptor alpha; plus strand). Cytogenetic location: 4q12.
Variant type: single nucleotide variant.
Coding change: c.504A>G on transcript NM_006206.6 (MANE Select); coding-DNA position 504, A replaced by G.
Protein change: p.Val168=; no amino-acid change (valine 168 retained).
Molecular consequence: synonymous variant.
Genome position (GRCh38, 1-based): chr4:54,263,803, A>G. VCF-style: chr4-54263803-A-G. GRCh37 (hg19) VCF-style: chr4-55129970-A-G.
Other names: c.504A>G, p.Val168= (NM_001347827.2, NM_001347829.2); c.579A>G, p.Val193= (NM_001347828.2); c.543A>G, p.Val181= (NM_001347830.2).
Identifiers: ClinVar variation 1581426 (VCV001581426.11), dbSNP rs1722884586, ClinGen allele CA439408829.
Genomic context (GRCh38, chr4:54,263,803, plus strand): 5'-ACCTTGTCGCACAACTGATCCCGAGACTCCTGTAACCTTACACAACAGTGAGGGGGTGGT[A>G]CCTGCCTCCTACGACAGCAGACAGGGCTTTAATGGGACCTTCACTGTAGGGCCCTATATC-3'
Protein context (NP_006197.1, residues 158-178): PVTLHNSEGV[Val168=]PASYDSRQGF

ClinVar aggregate classification (germline): Benign/Likely benign. Review status: criteria provided, multiple submitters, no conflicts (2 of 4 stars). 3 submissions from 3 submitters: Benign (1); Likely benign (2). Last evaluated 2026-06-16.

Conditions:
Gastrointestinal stromal tumor. Also called: Gastrointestinal stromal tumor, somatic; Gastrointestinal stroma tumor. Identifiers: Orphanet 44890, MedGen C0238198, MeSH D046152, MONDO:0011719, OMIM 606764, HP:0100723.
Polyps, multiple and recurrent inflammatory fibroid, gastrointestinal. Identifiers: MedGen C5193005, MONDO:0008285, OMIM 175510.
Hereditary cancer-predisposing syndrome. Also called: Neoplastic Syndromes, Hereditary; Tumor predisposition; Hereditary Cancer Syndrome; Hereditary neoplastic syndrome. Identifiers: Orphanet 140162, MedGen C0027672, MeSH D009386, MONDO:0015356.

Allele frequency attached by ClinVar (database versions not stated): TOPMed 0.00002.
gnomAD v4.1: 2 of 1,614,078 alleles (0.00012%); highest among the groups gnomAD compares: Non-Finnish European, 0.00017%; no homozygotes.

Submissions (3):

Myriad Genetics, Inc.
Classification: Benign for Polyps, multiple and recurrent inflammatory fibroid, gastrointestinal. Last evaluated: 2026-06-16. Review status: criteria provided, single submitter. Criteria: Myriad Autosomal Dominant, Autosomal Recessive and X-Linked Classification Criteria (2023). Collection method: clinical testing. Allele origin: unknown.
Comment: This variant is considered benign. This variant is a silent/synonymous amino acid change and it is not expected to impact splicing.

Labcorp Genetics (formerly Invitae), Labcorp
Classification: Likely benign for Gastrointestinal stromal tumor. Last evaluated: 2024-05-16. Review status: criteria provided, single submitter. Criteria: Invitae Variant Classification Sherloc (09022015). Collection method: clinical testing. Allele origin: germline.

Ambry Genetics
Classification: Likely benign for Hereditary cancer-predisposing syndrome. Last evaluated: 2020-08-21. Review status: criteria provided, single submitter. Criteria: Ambry Variant Classification Scheme 2023. Collection method: clinical testing. Allele origin: germline.